The following is an entry in ClinVar:

ClinVar aggregate classification (germline): Uncertain significance (1 of 4 stars; one submission).

Allele frequency attached by ClinVar (database versions not stated): gnomAD exomes below 0.00001.
gnomAD v4.1: 4 of 1,607,284 alleles (0.00025%); highest among the groups gnomAD compares: South Asian, 0.0011%; no homozygotes.

Submission:

GeneDx
Classification: Uncertain significance. Last evaluated: 2022-01-28. Review status: criteria provided, single submitter. Criteria: GeneDx Variant Classification Process June 2021. Collection method: clinical testing. Allele origin: germline. Affected: yes.
Comment: Not observed at significant frequency in large population cohorts (gnomAD); In silico analysis supports that this missense variant does not alter protein structure/function; Has not been previously published as pathogenic or benign to our knowledge

NM_001385079.1(PDE10A):c.1591G>A (p.Asp531Asn)

Gene: PDE10A (phosphodiesterase 10A; minus strand). Cytogenetic location: 6q27.
Variant type: single nucleotide variant.
Coding change: c.1591G>A on transcript NM_001385079.1 (MANE Select); coding-DNA position 1591, G replaced by A.
Protein change: p.Asp531Asn; replaces aspartic acid 531 with asparagine.
Molecular consequence: missense variant.
Genome position (GRCh38, 1-based): chr6:165,430,297, C>T on the plus strand (G>A on the coding strand, the complement: PDE10A is on the minus strand). VCF-style: chr6-165430297-C-T. GRCh37 (hg19) VCF-style: chr6-165843785-C-T.
Other names: c.793G>A, p.Asp265Asn (NM_001130690.3); c.763G>A, p.Asp255Asn (NM_006661.4); short protein forms D255N, D265N, D531N.
Identifiers: ClinVar variation 1699773 (VCV001699773.2), dbSNP rs943178993, ClinGen allele CA151330941.